The following is an entry in ClinVar:

ClinVar aggregate classification (germline): Likely benign. Review status: criteria provided, multiple submitters, no conflicts (2 of 4 stars). 2 submissions from 2 submitters: Likely benign (2). Last evaluated 2023-08-29.

Conditions:
SRD5A2-related disorder. Also called: SRD5A2-related condition.
3-Oxo-5 alpha-steroid delta 4-dehydrogenase deficiency (PPSH). Also called: PSEUDOVAGINAL PERINEOSCROTAL HYPOSPADIAS; FAMILIAL INCOMPLETE MALE PSEUDOHERMAPHRODITISM, TYPE 2; 46,XY disorder of sex development due to 5-alpha-reductase 2 deficiency; MALE PSEUDOHERMAPHRODITISM DUE TO 5-ALPHA-REDUCTASE DEFICIENCY. Identifiers: Orphanet 753, MedGen C0268297, MONDO:0009923, OMIM 264600. Disease mechanism: loss of function.

Submissions (2):

Labcorp Genetics (formerly Invitae), Labcorp
Classification: Likely benign for 3-Oxo-5 alpha-steroid delta 4-dehydrogenase deficiency. Last evaluated: 2023-08-29. Review status: criteria provided, single submitter. Criteria: Invitae Variant Classification Sherloc (09022015). Collection method: clinical testing. Allele origin: germline.

PreventionGenetics, part of Exact Sciences
Classification: Likely benign for SRD5A2-related condition. Last evaluated: 2022-03-21. Review status: criteria provided, single submitter. Criteria: ACMG Guidelines, 2015. Collection method: clinical testing. Allele origin: germline.
Comment: This variant is classified as likely benign based on ACMG/AMP sequence variant interpretation guidelines (Richards et al. 2015 PMID: 25741868, with internal and published modifications).

NM_000348.4(SRD5A2):c.147C>T (p.Ala49=)

Gene: SRD5A2 (steroid 5 alpha-reductase 2; minus strand). Cytogenetic location: 2p23.1.
Variant type: single nucleotide variant.
Coding change: c.147C>T on transcript NM_000348.4 (MANE Select); coding-DNA position 147, C replaced by T.
Protein change: p.Ala49=; no amino-acid change (alanine 49 retained).
Molecular consequence: synonymous variant.
Genome position (GRCh38, 1-based): chr2:31,580,754, G>A on the plus strand (C>T on the coding strand, the complement: SRD5A2 is on the minus strand). VCF-style: chr2-31580754-G-A. GRCh37 (hg19) VCF-style: chr2-31805824-G-A.
Other names: c.147C>T (NM_000348.3).
Identifiers: ClinVar variation 2756011 (VCV002756011.4), dbSNP rs2465708427, ClinGen allele CA425627479.